The following is an entry in ClinVar:

ClinVar aggregate classification (germline): Likely pathogenic (1 of 4 stars; one submission).

Conditions:
Multiple cutaneous and mucosal venous malformations (VMCM). Also called: TEK-Related Multiple Cutaneous and Mucosal Venous Malformations (VMCM). Identifiers: Orphanet 2451, MedGen C1838437, MONDO:0010842, OMIM 600195.

Submission:

Clinical Genomics Laboratory, Washington University in St. Louis
Classification: Likely pathogenic for Multiple cutaneous and mucosal venous malformations. Last evaluated: 2024-03-06. Review status: criteria provided, single submitter. Criteria: ACMG Guidelines, 2015. Collection method: clinical testing. Allele origin: somatic. Affected: yes.
Comment: A TEK c.3323_3324insCGTGAATACCACGCTTTATGAGAAGTAGTA (p.Tyr1108_Glu1109insValAsnThrThrLeuTyrGluLys*) variant was identified at an allelic fraction consistent with somatic origin. This variant, to our knowledge, has not been reported in the medical literature and is absent from the general population (gnomAD v.4.0.0), indicating it is not a common variant. This variant is an insertion of 30 base pairs resulting in a premature termination codon, however, because this occurs in the last exon, this is not predicted to lead to nonsense mediated decay. Functional studies have demonstrated that other variants within this region result in the truncation of the C-terminal inhibitory loop, leading to increased receptor autophosphorylation (Boscolo E et al., PMID: 26258417; Soblet J et al., PMID: 23801934). Furthermore, numerous other insertion/deletion variants have been reported in this region in multiple patients with vascular/venous malformations (ClinVar). Based on an internally-developed protocol informed by the ACMG/AMP guidelines for variant interpretation (Richards S et al., PMID: 25741868), and gene-specific practices from the ClinGen Criteria Specification Registry, the TEK c.3323_3324insCGTGAATACCACGCTTTATGAGAAGTAGTA (p.Tyr1108_Glu1109insValAsnThrThrLeuTyrGluLys*) variant is classified as likely pathogenic.

NM_000459.5(TEK):c.3323_3324insCGTGAATACCACGCTTTATGAGAAGTAGTA (p.Tyr1108_Glu1109insValAsnThrThrLeuTyrGluLysTer)

Gene: TEK (TEK receptor tyrosine kinase; plus strand). Cytogenetic location: 9p21.2.
Variant type: Insertion.
Coding change: c.3323_3324insCGTGAATACCACGCTTTATGAGAAGTAGTA on transcript NM_000459.5 (MANE Select); coding-DNA positions 3323 to 3324, CGTGAATACCACGCTTTATGAGAAGTAGTA inserted.
Protein change: p.Tyr1108_Glu1109insValAsnThrThrLeuTyrGluLysTer.
Molecular consequence: nonsense. On other transcripts: inframe indel (2).
Genome position: GRCh38 VCF-style: chr9-27229178-T-TTACGTGAATACCACGCTTTATGAGAAGTAG. GRCh37 (hg19) VCF-style: chr9-27229176-T-TTACGTGAATACCACGCTTTATGAGAAGTAG.
Other names: c.3194_3195insCGTGAATACCACGCTTTATGAGAAGTAGTA, p.Glu1066_Ala1081delinsValAsnThrThrLeuTyrGluLys (NM_001290077.2); c.2879_2880insCGTGAATACCACGCTTTATGAGAAGTAGTA, p.Glu961_Ala976delinsValAsnThrThrLeuTyrGluLys (NM_001290078.2); c.3320_3321insCGTGAATACCACGCTTTATGAGAAGTAGTA, p.Tyr1107_Glu1108insValAsnThrThrLeuTyrGluLysTer (NM_001375475.1); c.3191_3192insCGTGAATACCACGCTTTATGAGAAGTAGTA, p.Tyr1064_Glu1065insValAsnThrThrLeuTyrGluLysTer (NM_001375476.1).
Identifiers: ClinVar variation 3238631 (VCV003238631.1), dbSNP rs2489035762.
Genomic context (GRCh38, chr9:27,229,178, plus strand): 5'-CAAAGCAGCCTATGTCTCTGAACCATTTTCATTCTTCCAGACCTACGTGAATACCACGCT[T>TTACGTGAATACCACGCTTTATGAGAAGTAG]TATGAGAAGTTTACTTATGCAGGAATTGACTGTTCTGCTGAAGAAGCGGCCTAGGACAGA-3'